The following is an entry in ClinVar:

NM_005909.5(MAP1B):c.419C>A (p.Thr140Asn)

Gene: MAP1B (microtubule associated protein 1B; plus strand). Cytogenetic location: 5q13.2.
Variant type: single nucleotide variant.
Coding change: c.419C>A on transcript NM_005909.5 (MANE Select); coding-DNA position 419, C replaced by A.
Protein change: p.Thr140Asn; replaces threonine 140 with asparagine.
Molecular consequence: missense variant.
Genome position (GRCh38, 1-based): chr5:72,186,663, C>A. VCF-style: chr5-72186663-C-A. GRCh37 (hg19) VCF-style: chr5-71482490-C-A.
Other names: c.419C>A (NM_005909.3, NM_005909.4); c.41C>A, p.Thr14Asn (NM_001324255.2); short protein forms T140N, T14N.
Identifiers: ClinVar variation 1176179 (VCV001176179.37), dbSNP rs963758231, ClinGen allele CA120029570.

ClinVar aggregate classification (germline): Uncertain significance. Review status: criteria provided, multiple submitters, no conflicts (2 of 4 stars). 3 submissions from 3 submitters: Uncertain significance (3). Last evaluated 2025-11-07.

Conditions:
Inborn genetic diseases. Identifiers: MedGen C0950123, MeSH D030342.
MAP1B-related disorder. Also called: MAP1B-related condition.

Allele frequency attached by ClinVar (database versions not stated): gnomAD exomes 0.00001; gnomAD 0.00002; TOPMed 0.00002.
gnomAD v4.1: 13 of 1,614,090 alleles (0.00081%); highest among the groups gnomAD compares: Middle Eastern, 0.049%; no homozygotes.

Submissions (3):

PreventionGenetics, part of Exact Sciences
Classification: Uncertain significance for MAP1B-related condition. Last evaluated: 2025-11-07. Review status: criteria provided, single submitter. Criteria: ACMG Guidelines, 2015. Collection method: clinical testing. Allele origin: germline.
Comment: The MAP1B c.419C>A variant is predicted to result in the amino acid substitution p.Thr140Asn. To our knowledge, this variant has not been reported in the literature. This variant is reported in 0.0018% of alleles in individuals of European (Non-Finnish) descent in gnomAD. At this time, the clinical significance of this variant is uncertain due to the absence of conclusive functional and genetic evidence.

Ambry Genetics
Classification: Uncertain significance for Inborn genetic diseases. Last evaluated: 2025-09-11. Review status: criteria provided, single submitter. Criteria: Ambry Variant Classification Scheme 2023. Collection method: clinical testing. Allele origin: germline.

CeGaT Center for Human Genetics Tuebingen
Classification: Uncertain significance. Last evaluated: 2021-06-01. Review status: criteria provided, single submitter. Criteria: CeGaT Center For Human Genetics Tuebingen Variant Classification Criteria Version 2. Collection method: clinical testing. Allele origin: germline. Affected: yes. Observed: 1 variant allele.